The following is an entry in ClinVar:

NM_170606.3(KMT2C):c.13462G>A (p.Ala4488Thr)

Gene: KMT2C (lysine methyltransferase 2C; minus strand). Cytogenetic location: 7q36.1.
Variant type: single nucleotide variant.
Coding change: c.13462G>A on transcript NM_170606.3 (MANE Select); coding-DNA position 13462, G replaced by A.
Protein change: p.Ala4488Thr; replaces alanine 4488 with threonine.
Molecular consequence: missense variant.
Genome position (GRCh38, 1-based): chr7:152,148,465, C>T on the plus strand (G>A on the coding strand, the complement: KMT2C is on the minus strand). VCF-style: chr7-152148465-C-T. GRCh37 (hg19) VCF-style: chr7-151845550-C-T.
Other names: short protein forms A4488T.
Identifiers: ClinVar variation 3769326 (VCV003769326.3).
Genomic context (GRCh38, chr7:152,148,465, plus strand): 5'-GTTTGTGCATGGGGCAAAGCATAGTTTTGTCCTTAAAAAACATGCATTGTGCTTTAATGG[C>T]GCAAGTGAAGTGATAAATGTTGGTGCATCGAAATCTGTGGCATCCACTAGTGGCACCCGT-3'
Protein context (NP_733751.2, residues 4478-4498): RCTNIYHFTC[Ala4488Thr]IKAQCMFFKD

ClinVar aggregate classification (germline): Uncertain significance (1 of 4 stars; one submission).

gnomAD v4.1: 1 of 1,614,200 alleles (0.000062%); highest among the groups gnomAD compares: Admixed American, 0.0017%; no homozygotes.

Submission:

Women's Health and Genetics/Laboratory Corporation of America, LabCorp
Classification: Uncertain significance. Last evaluated: 2026-03-23. Review status: criteria provided, single submitter. Criteria: LabCorp Variant Classification Summary - May 2015. Collection method: clinical testing. Allele origin: germline.
Comment: Variant summary: KMT2C c.13462G>A (p.Ala4488Thr) results in a non-conservative amino acid change located in the Extended PHD (ePHD) domain (IPR034732) of the encoded protein sequence. Algorithms developed to predict the effect of missense changes on protein structure and function all suggest that this variant is likely to be disruptive. The variant allele was found at a frequency of 4e-06 in 250992 control chromosomes. The available data on variant occurrences in the general population are insufficient to allow any conclusion about variant significance. To our knowledge, no occurrence of c.13462G>A in individuals affected with KMT2C-related conditions and no experimental evidence demonstrating its impact on protein function have been reported. ClinVar contains an entry for this variant (Variation ID: 3769326). Based on the evidence outlined above, the variant was classified as uncertain significance.